The following is an entry in ClinVar:

ClinVar aggregate classification (germline): Likely benign. Review status: criteria provided, multiple submitters, no conflicts (2 of 4 stars). 3 submissions from 3 submitters: Likely benign (2). 1 of the submissions does not count toward it. Last evaluated 2026-01-06.

Conditions:
PLXNA1-related disorder. Also called: PLXNA1-related condition.

Allele frequency attached by ClinVar (database versions not stated): TOPMed 0.00007; ESP Exome Variant Server 0.00008; gnomAD 0.00009; ExAC 0.00017.
gnomAD v4.1: 152 of 1,612,992 alleles (0.0094%); highest among the groups gnomAD compares: Middle Eastern, 0.066%; no homozygotes.

Submissions (3):

Labcorp Genetics (formerly Invitae), Labcorp
Classification: Likely benign. Last evaluated: 2026-01-06. Review status: criteria provided, single submitter. Criteria: Invitae Variant Classification Sherloc (09022015). Collection method: clinical testing. Allele origin: germline.

CeGaT Center for Human Genetics Tuebingen
Classification: Likely benign. Last evaluated: 2025-07-01. Review status: criteria provided, single submitter. Criteria: CeGaT Center For Human Genetics Tuebingen Variant Classification Criteria Version 2. Collection method: clinical testing. Allele origin: germline. Affected: yes. Observed: 1 variant allele.
Comment: PLXNA1: BP4, BP7

PreventionGenetics, part of Exact Sciences
Classification: Likely benign for PLXNA1-related condition. Last evaluated: 2021-09-01. Review status: no assertion criteria provided. Collection method: clinical testing. Allele origin: germline. Not counted in ClinVar's aggregate classification.
Comment: This variant is classified as likely benign based on ACMG/AMP sequence variant interpretation guidelines (Richards et al. 2015 PMID: 25741868, with internal and published modifications).

NM_032242.4(PLXNA1):c.1083G>A (p.Thr361=)

Gene: PLXNA1 (plexin A1; plus strand). Cytogenetic location: 3q21.3.
Variant type: single nucleotide variant.
Coding change: c.1083G>A on transcript NM_032242.4 (MANE Select); coding-DNA position 1083, G replaced by A.
Protein change: p.Thr361=; no amino-acid change (threonine 361 retained).
Molecular consequence: synonymous variant.
Genome position (GRCh38, 1-based): chr3:126,989,676, G>A. VCF-style: chr3-126989676-G-A. GRCh37 (hg19) VCF-style: chr3-126708519-G-A.
Identifiers: ClinVar variation 3052140 (VCV003052140.11), dbSNP rs374766048, ClinGen allele CA2593116.